The following is an entry in ClinVar:

NM_001040108.2(MLH3):c.412A>T (p.Thr138Ser)

Gene: MLH3 (mutL homolog 3; minus strand). Cytogenetic location: 14q24.3.
Variant type: single nucleotide variant.
Coding change: c.412A>T on transcript NM_001040108.2 (MANE Select); coding-DNA position 412, A replaced by T.
Protein change: p.Thr138Ser; replaces threonine 138 with serine.
Molecular consequence: missense variant.
Genome position (GRCh38, 1-based): chr14:75,049,244, T>A on the plus strand (A>T on the coding strand, the complement: MLH3 is on the minus strand). VCF-style: chr14-75049244-T-A. GRCh37 (hg19) VCF-style: chr14-75515947-T-A.
Other names: c.412A>T, p.Thr138Ser (NM_014381.3); short protein forms T138S.
Identifiers: ClinVar variation 1738067 (VCV001738067.3), dbSNP rs1892495938, ClinGen allele CA390450463.

ClinVar aggregate classification (germline): Uncertain significance. Review status: criteria provided, multiple submitters, no conflicts (2 of 4 stars). 2 submissions from 2 submitters: Uncertain significance (2). Last evaluated 2025-04-22.

Conditions:
Colorectal cancer, hereditary nonpolyposis, type 7. Identifiers: Orphanet 144, MedGen C1858380, MONDO:0013725, OMIM 614385.

Submissions (2):

Labcorp Genetics (formerly Invitae), Labcorp
Classification: Uncertain significance for Colorectal cancer, hereditary nonpolyposis, type 7. Last evaluated: 2025-04-22. Review status: criteria provided, single submitter. Criteria: Invitae Variant Classification Sherloc (09022015). Collection method: clinical testing. Allele origin: germline.
Comment: This sequence change replaces threonine, which is neutral and polar, with serine, which is neutral and polar, at codon 138 of the MLH3 protein (p.Thr138Ser). This variant is not present in population databases (gnomAD no frequency). This variant has not been reported in the literature in individuals affected with MLH3-related conditions. ClinVar contains an entry for this variant (Variation ID: 1738067). An algorithm developed to predict the effect of missense changes on protein structure and function outputs the following: PolyPhen-2: "Benign". The serine amino acid residue is found in multiple mammalian species, which suggests that this missense change does not adversely affect protein function. In summary, the available evidence is currently insufficient to determine the role of this variant in disease. Therefore, it has been classified as a Variant of Uncertain Significance.

Ambry Genetics
Classification: Uncertain significance. Last evaluated: 2022-03-08. Review status: criteria provided, single submitter. Criteria: Ambry Variant Classification Scheme 2023. Collection method: clinical testing. Allele origin: germline.
Comment: The p.T138S variant (also known as c.412A>T), located in coding exon 1 of the MLH3 gene, results from an A to T substitution at nucleotide position 412. The threonine at codon 138 is replaced by serine, an amino acid with similar properties. This amino acid position is conserved. In addition, this alteration is predicted to be tolerated by in silico analysis. Since supporting evidence is limited at this time, the clinical significance of this alteration remains unclear.